The following is an entry in ClinVar:

ClinVar aggregate classification (germline): Uncertain significance. Review status: criteria provided, multiple submitters, no conflicts (2 of 4 stars). 2 submissions from 2 submitters: Uncertain significance (2). Last evaluated 2025-01-06.

Conditions:
Inborn genetic diseases. Identifiers: MedGen C0950123, MeSH D030342.

Allele frequency attached by ClinVar (database versions not stated): 1000 Genomes Project 30x 0.00016; 1000 Genomes Project 0.00020.
gnomAD v4.1: 162 of 1,604,942 alleles (0.01%); highest among the groups gnomAD compares: African/African-American, 0.14%; no homozygotes.

Submissions (2):

Labcorp Genetics (formerly Invitae), Labcorp
Classification: Uncertain significance. Last evaluated: 2025-01-06. Review status: criteria provided, single submitter. Criteria: Invitae Variant Classification Sherloc (09022015). Collection method: clinical testing. Allele origin: germline.
Comment: This sequence change replaces proline, which is neutral and non-polar, with alanine, which is neutral and non-polar, at codon 40 of the MECR protein (p.Pro40Ala). This variant is present in population databases (rs374505770, gnomAD 0.1%). This variant has not been reported in the literature in individuals affected with MECR-related conditions. ClinVar contains an entry for this variant (Variation ID: 2345662). An algorithm developed to predict the effect of missense changes on protein structure and function outputs the following: PolyPhen-2: "Benign". The alanine amino acid residue is found in multiple mammalian species, which suggests that this missense change does not adversely affect protein function. In summary, the available evidence is currently insufficient to determine the role of this variant in disease. Therefore, it has been classified as a Variant of Uncertain Significance.

Ambry Genetics
Classification: Uncertain significance for Inborn genetic diseases. Last evaluated: 2024-05-28. Review status: criteria provided, single submitter. Criteria: Ambry Variant Classification Scheme 2023. Collection method: clinical testing. Allele origin: germline.

NM_016011.5(MECR):c.118C>G (p.Pro40Ala)

Gene: MECR (mitochondrial trans-2-enoyl-CoA reductase; minus strand). Cytogenetic location: 1p35.3.
Variant type: single nucleotide variant.
Coding change: c.118C>G on transcript NM_016011.5 (MANE Select); coding-DNA position 118, C replaced by G.
Protein change: p.Pro40Ala; replaces proline 40 with alanine.
Molecular consequence: missense variant. On other transcripts: 5 prime UTR variant (6), non-coding transcript variant (4).
Genome position (GRCh38, 1-based): chr1:29,230,789, G>C on the plus strand (C>G on the coding strand, the complement: MECR is on the minus strand). VCF-style: chr1-29230789-G-C. GRCh37 (hg19) VCF-style: chr1-29557301-G-C.
Other names: c.-238C>G (NM_001024732.4); c.-442C>G (NM_001349711.2); c.-443C>G (NM_001349712.2); c.-320C>G (NM_001349713.2); c.-232C>G (NM_001349714.2); c.118C>G, p.Pro40Ala (NM_001349715.2, NM_001349716.2); c.-25C>G (NM_001349717.2); short protein forms P40A.
Identifiers: ClinVar variation 2345662 (VCV002345662.4), dbSNP rs374505770, ClinGen allele CA725898.